The following is an entry in ClinVar:

NM_001042492.3(NF1):c.7982T>A (p.Leu2661Ter)

Gene: NF1 (neurofibromin 1; plus strand). Cytogenetic location: 17q11.2.
Variant type: single nucleotide variant.
Coding change: c.7982T>A on transcript NM_001042492.3 (MANE Select); coding-DNA position 7982, T replaced by A.
Protein change: p.Leu2661Ter; replaces leucine 2661 with a stop codon.
Molecular consequence: nonsense.
Genome position (GRCh38, 1-based): chr17:31,358,491, T>A. VCF-style: chr17-31358491-T-A. GRCh37 (hg19) VCF-style: chr17-29685509-T-A.
Other names: c.7919T>A, p.Leu2640Ter (NM_000267.4); short protein forms L2640*, L2661*.
Identifiers: ClinVar variation 617614 (VCV000617614.6), dbSNP rs1567627709, ClinGen allele CA399203606.
Genomic context (GRCh38, chr17:31,358,491, plus strand): 5'-TTTAATTTTCCTCTAAAATGTTCCTCTGTTGACTTTTTTTTTCTTTTAGGCATAATTTGT[T>A]GGACTCTAAGATCAACACCCTGTTATCATTGTGCCAAGATCCAAATTTGTTAAATCCAAT-3'

ClinVar aggregate classification (germline): Pathogenic. Review status: criteria provided, multiple submitters, no conflicts (2 of 4 stars). 3 submissions from 3 submitters: Pathogenic (3). Last evaluated 2024-08-08.

Conditions:
Neurofibromatosis, type 1 (NF1). Also called: NEUROFIBROMATOSIS, TYPE I, SOMATIC; Neurofibromatosis, type I; VON RECKLINGHAUSEN DISEASE; Peripheral type neurofibromatosis. Identifiers: Orphanet 636, MedGen C0027831, MONDO:0018975, OMIM 162200. Disease mechanism: loss of function.
Cardiovascular phenotype. Identifiers: MedGen CN230736.
Hereditary cancer-predisposing syndrome. Also called: Neoplastic Syndromes, Hereditary; Hereditary neoplastic syndrome; Hereditary Cancer Syndrome; Tumor predisposition. Identifiers: Orphanet 140162, MedGen C0027672, MeSH D009386, MONDO:0015356.

Submissions (3):

Ambry Genetics
Classification: Pathogenic for Cardiovascular phenotype; Hereditary cancer-predisposing syndrome. Last evaluated: 2024-08-08. Review status: criteria provided, single submitter. Criteria: Ambry Variant Classification Scheme 2023. Collection method: clinical testing. Allele origin: germline.
Comment: The p.L2640* variant (also known as c.7919T>A), located in coding exon 54 of the NF1 gene, results from a T to A substitution at nucleotide position 7919. This changes the amino acid from a leucine to a stop codon within coding exon 54. This variant is considered to be rare based on population cohorts in the Genome Aggregation Database (gnomAD). This alteration is expected to result in loss of function by premature protein truncation or nonsense-mediated mRNA decay. As such, this alteration is interpreted as a disease-causing mutation.

Labcorp Genetics (formerly Invitae), Labcorp
Classification: Pathogenic for Neurofibromatosis, type 1. Last evaluated: 2022-03-14. Review status: criteria provided, single submitter. Criteria: Invitae Variant Classification Sherloc (09022015). Collection method: clinical testing. Allele origin: germline.
Comment: For these reasons, this variant has been classified as Pathogenic. ClinVar contains an entry for this variant (Variation ID: 617614). This variant has not been reported in the literature in individuals affected with NF1-related conditions. This variant is not present in population databases (gnomAD no frequency). This sequence change creates a premature translational stop signal (p.Leu2640*) in the NF1 gene. It is expected to result in an absent or disrupted protein product. Loss-of-function variants in NF1 are known to be pathogenic (PMID: 10712197, 23913538).

Clinical Molecular Genetics Laboratory, Johns Hopkins All Children's Hospital
Classification: Pathogenic for Neurofibromatosis, type 1. Last evaluated: 2019-01-30. Review status: criteria provided, single submitter. Criteria: ACMG Guidelines, 2015. Collection method: clinical testing. Allele origin: germline. Inheritance: Autosomal dominant inheritance. Affected: yes. Observed: 1 heterozygote.

Literature cited by the submitters: PubMed 10712197 (cited by Labcorp Genetics (formerly Invitae), Labcorp); PubMed 23913538 (cited by Labcorp Genetics (formerly Invitae), Labcorp).